The following is an entry in ClinVar:

NM_001110556.2(FLNA):c.2007C>G (p.Asp669Glu)

Gene: FLNA (filamin A; minus strand). Cytogenetic location: Xq28.
Variant type: single nucleotide variant.
Coding change: c.2007C>G on transcript NM_001110556.2 (MANE Select); coding-DNA position 2007, C replaced by G.
Protein change: p.Asp669Glu; replaces aspartic acid 669 with glutamic acid.
Molecular consequence: missense variant.
Genome position (GRCh38, 1-based): chrX:154,364,541, G>C on the plus strand (C>G on the coding strand, the complement: FLNA is on the minus strand). VCF-style: chrX-154364541-G-C. GRCh37 (hg19) VCF-style: chrX-153592909-G-C.
Other names: c.2007C>G, p.Asp669Glu (NM_001456.4); c.2007C>G (NM_001456.3); short protein forms D669E.
Identifiers: ClinVar variation 2188756 (VCV002188756.5), dbSNP rs2522754504, ClinGen allele CA415241147.

ClinVar aggregate classification (germline): Uncertain significance. Review status: criteria provided, multiple submitters, no conflicts (2 of 4 stars). 2 submissions from 2 submitters: Uncertain significance (2). Last evaluated 2025-09-23.

Conditions:
Oto-palato-digital syndrome, type II (OPD2). Also called: FACIOPALATOOSSEOUS SYNDROME; OPD II SYNDROME; Otopalatodigital Syndrome, Type II; Otopalatodigital Syndrome Type 2 (FLNA-OPD2). Identifiers: Orphanet 669, Orphanet 90652, MedGen C1844696, MONDO:0010571, OMIM 304120.
Frontometaphyseal dysplasia (FMD1). Identifiers: Orphanet 1826, MedGen C0265293, MONDO:0015942.
Melnick-Needles syndrome (MNS). Also called: MELNICK-NEEDLES OSTEODYSPLASTY; OSTEODYSPLASTY OF MELNICK AND NEEDLES; Melnick-Needles Syndrome (FLNA-MNS). Identifiers: Orphanet 2484, MedGen C0025237, MONDO:0010650, OMIM 309350.
Heterotopia, periventricular, X-linked dominant (PVNH1). Also called: PERIVENTRICULAR NODULAR HETEROTOPIA 4; HETEROTOPIA, PERIVENTRICULAR, 1; PERIVENTRICULAR NODULAR HETEROTOPIA 1; X-linked periventricular heterotopia. Identifiers: Orphanet 2149, Orphanet 82004, MedGen C1848213, MONDO:0010233, OMIM 300049.
Familial thoracic aortic aneurysm and aortic dissection (TAAD). Also called: Thoracic aortic aneurysms and dissections. Identifiers: Orphanet 91387, MedGen C4707243, MONDO:0019625.

Submissions (2):

Ambry Genetics
Classification: Uncertain significance for Familial thoracic aortic aneurysm and aortic dissection. Last evaluated: 2025-09-23. Review status: criteria provided, single submitter. Criteria: Ambry Variant Classification Scheme 2023. Collection method: clinical testing. Allele origin: germline.
Comment: The p.D669E variant (also known as c.2007C>G), located in coding exon 12 of the FLNA gene, results from a C to G substitution at nucleotide position 2007. The aspartic acid at codon 669 is replaced by glutamic acid, an amino acid with highly similar properties. This amino acid position is highly conserved in available vertebrate species. In addition, this alteration is predicted to be tolerated by in silico analysis. Based on the available evidence, the clinical significance of this variant remains unclear.

Labcorp Genetics (formerly Invitae), Labcorp
Classification: Uncertain significance for Oto-palato-digital syndrome, type II; Heterotopia, periventricular, X-linked dominant; Frontometaphyseal dysplasia; Melnick-Needles syndrome. Last evaluated: 2024-04-22. Review status: criteria provided, single submitter. Criteria: Invitae Variant Classification Sherloc (09022015). Collection method: clinical testing. Allele origin: germline.
Comment: This sequence change replaces aspartic acid, which is acidic and polar, with glutamic acid, which is acidic and polar, at codon 669 of the FLNA protein (p.Asp669Glu). This variant is not present in population databases (gnomAD no frequency). This variant has not been reported in the literature in individuals affected with FLNA-related conditions. ClinVar contains an entry for this variant (Variation ID: 2188756). Advanced modeling of protein sequence and biophysical properties (such as structural, functional, and spatial information, amino acid conservation, physicochemical variation, residue mobility, and thermodynamic stability) performed at Invitae indicates that this missense variant is not expected to disrupt FLNA protein function with a negative predictive value of 95%. In summary, the available evidence is currently insufficient to determine the role of this variant in disease. Therefore, it has been classified as a Variant of Uncertain Significance.